The following is an entry in ClinVar:

NM_001022.4(RPS19):c.328C>G (p.Leu110Val)

Genes: RPS19 (ribosomal protein S19; plus strand), RPS19-CD79A (RPS19-CD79A readthrough; plus strand). Cytogenetic location: 19q13.2.
Variant type: single nucleotide variant.
Coding change: c.328C>G on transcript NM_001022.4 (MANE Select); coding-DNA position 328, C replaced by G.
Protein change: p.Leu110Val; replaces leucine 110 with valine.
Molecular consequence: missense variant.
Genome position (GRCh38, 1-based): chr19:41,869,186, C>G. VCF-style: chr19-41869186-C-G. GRCh37 (hg19) VCF-style: chr19-42373256-C-G.
Other names: c.328C>G, p.Leu110Val (NM_001321483.2, NM_001321484.2); c.341C>G, p.Ala114Gly (NM_001321485.2); short protein forms A114G, L110V.
Identifiers: ClinVar variation 2120810 (VCV002120810.4), dbSNP rs1555841370, ClinGen allele CA406030554.

ClinVar aggregate classification (germline): Uncertain significance (1 of 4 stars; one submission).

Conditions:
Diamond-Blackfan anemia. Also called: Blackfan Diamond syndrome; Aregenerative anemia chronic congenital; Red cell aplasia, pure hereditary; Congenital hypoplastic anemia; Aase syndrome. Identifiers: Orphanet 124, MedGen C1260899, MeSH D029503, MONDO:0015253, HP:0004810.

Submission:

Labcorp Genetics (formerly Invitae), Labcorp
Classification: Uncertain significance for Diamond-Blackfan anemia. Last evaluated: 2022-11-15. Review status: criteria provided, single submitter. Criteria: Invitae Variant Classification Sherloc (09022015). Collection method: clinical testing. Allele origin: germline.
Comment: In summary, the available evidence is currently insufficient to determine the role of this variant in disease. Therefore, it has been classified as a Variant of Uncertain Significance. Algorithms developed to predict the effect of missense changes on protein structure and function (SIFT, PolyPhen-2, Align-GVGD) all suggest that this variant is likely to be tolerated. This variant has not been reported in the literature in individuals affected with RPS19-related conditions. This variant is not present in population databases (gnomAD no frequency). This sequence change replaces leucine, which is neutral and non-polar, with valine, which is neutral and non-polar, at codon 110 of the RPS19 protein (p.Leu110Val).